The following is an entry in ClinVar:

ClinVar aggregate classification (germline): Uncertain significance (1 of 4 stars; one submission).

Allele frequency attached by ClinVar (database versions not stated): gnomAD exomes 0.00001; ExAC 0.00002.
gnomAD v4.1: 11 of 1,613,906 alleles (0.00068%); highest among the groups gnomAD compares: Non-Finnish European, 0.00093%; no homozygotes.

Submission:

Labcorp Genetics (formerly Invitae), Labcorp
Classification: Uncertain significance. Last evaluated: 2021-09-17. Review status: criteria provided, single submitter. Criteria: Invitae Variant Classification Sherloc (09022015). Collection method: clinical testing. Allele origin: germline.
Comment: This sequence change replaces valine with methionine at codon 571 of the PCDH15 protein (p.Val571Met). The valine residue is highly conserved and there is a small physicochemical difference between valine and methionine. This variant is present in population databases (rs747310651, ExAC 0.003%). This variant has not been reported in the literature in individuals with PCDH15-related conditions. Algorithms developed to predict the effect of missense changes on protein structure and function are either unavailable or do not agree on the potential impact of this missense change (SIFT: "Deleterious"; PolyPhen-2: "Possibly Damaging"; Align-GVGD: "Class C0"). In summary, the available evidence is currently insufficient to determine the role of this variant in disease. Therefore, it has been classified as a Variant of Uncertain Significance.

NM_001384140.1(PCDH15):c.1711G>A (p.Val571Met)

Gene: PCDH15 (protocadherin related 15; minus strand). Cytogenetic location: 10q21.1.
Variant type: single nucleotide variant.
Coding change: c.1711G>A on transcript NM_001384140.1 (MANE Select); coding-DNA position 1711, G replaced by A.
Protein change: p.Val571Met; replaces valine 571 with methionine.
Molecular consequence: missense variant.
Genome position (GRCh38, 1-based): chr10:54,153,173, C>T on the plus strand (G>A on the coding strand, the complement: PCDH15 is on the minus strand). VCF-style: chr10-54153173-C-T. GRCh37 (hg19) VCF-style: chr10-55912933-C-T.
Other names: c.1726G>A, p.Val576Met (NM_001142763.2, NM_001142771.2); c.1711G>A, p.Val571Met (NM_001142764.2, NM_001142765.2, NM_001142766.2 and 6 more transcripts); c.1600G>A, p.Val534Met (NM_001142767.2); c.1645G>A, p.Val549Met (NM_001142768.2, NM_001142773.2, NM_001354404.2); c.1747G>A, p.Val583Met (NM_001142769.4); c.1732G>A, p.Val578Met (NM_001354411.2); short protein forms V549M, V571M, V578M, V583M, V534M, V576M.
Identifiers: ClinVar variation 1937332 (VCV001937332.2), dbSNP rs747310651, ClinGen allele CA5506291.